The following is an entry in ClinVar:

ClinVar aggregate classification (germline): Uncertain significance (1 of 4 stars; one submission).

Submission:

GeneDx
Classification: Uncertain significance. Last evaluated: 2021-05-19. Review status: criteria provided, single submitter. Criteria: GeneDx Variant Classification Process June 2021. Collection method: clinical testing. Allele origin: germline. Affected: yes.
Comment: Not observed in large population cohorts (Lek et al., 2016); In silico analysis supports that this missense variant does not alter protein structure/function; Has not been previously published as pathogenic or benign to our knowledge

NM_004370.6(COL12A1):c.1796T>C (p.Val599Ala)

Gene: COL12A1 (collagen type XII alpha 1 chain; minus strand). Cytogenetic location: 6q13.
Variant type: single nucleotide variant.
Coding change: c.1796T>C on transcript NM_004370.6 (MANE Select); coding-DNA position 1796, T replaced by C.
Protein change: p.Val599Ala; replaces valine 599 with alanine.
Molecular consequence: missense variant. On other transcripts: intron variant (1).
Genome position (GRCh38, 1-based): chr6:75,183,145, A>G on the plus strand (T>C on the coding strand, the complement: COL12A1 is on the minus strand). VCF-style: chr6-75183145-A-G. GRCh37 (hg19) VCF-style: chr6-75892861-A-G.
Other names: c.73+19575T>C (NM_080645.3); short protein forms V599A.
Identifiers: ClinVar variation 1326128 (VCV001326128.2), dbSNP rs2149465509, ClinGen allele CA364768601.